The following is an entry in ClinVar:

NM_006440.5(TXNRD2):c.662+6G>T

Gene: TXNRD2 (thioredoxin reductase 2; minus strand). Cytogenetic location: 22q11.21.
Variant type: single nucleotide variant.
Coding change: c.662+6G>T on transcript NM_006440.5 (MANE Select); 6 bases into the intron after coding-DNA position 662, G replaced by T.
Molecular consequence: intron variant.
Genome position (GRCh38, 1-based): chr22:19,911,371, C>A on the plus strand (G>T on the coding strand, the complement: TXNRD2 is on the minus strand). VCF-style: chr22-19911371-C-A. GRCh37 (hg19) VCF-style: chr22-19898894-C-A.
Other names: c.659+6G>T (NM_001352300.2); c.374+6G>T (NM_001352302.2); c.572+6G>T (NM_001352301.2); c.662+6G>T (NM_001282512.3); c.566+6G>T (NM_001352303.2).
Identifiers: ClinVar variation 4809409 (VCV004809409.1).

ClinVar aggregate classification (germline): Uncertain significance (1 of 4 stars; one submission).

Conditions:
Primary dilated cardiomyopathy (DCM). Also called: Dilated Cardiomyopathy. Identifiers: Orphanet 217604, MedGen C0007193, MeSH D002311, MONDO:0005021, HP:0001644. Inheritance: Various modes of inheritance.

Submission:

Labcorp Genetics (formerly Invitae), Labcorp
Classification: Uncertain significance for Primary dilated cardiomyopathy. Last evaluated: 2025-04-27. Review status: criteria provided, single submitter. Criteria: Invitae Variant Classification Sherloc (09022015). Collection method: clinical testing. Allele origin: germline.
Comment: This sequence change falls in intron 8 of the TXNRD2 gene. It does not directly change the encoded amino acid sequence of the TXNRD2 protein. It affects a nucleotide within the consensus splice site. This variant is not present in population databases (gnomAD no frequency). This variant has not been reported in the literature in individuals affected with TXNRD2-related conditions. Variants that disrupt the consensus splice site are a relatively common cause of aberrant splicing (PMID: 17576681, 9536098). Algorithms developed to predict the effect of sequence changes on RNA splicing suggest that this variant is not likely to affect RNA splicing. In summary, the available evidence is currently insufficient to determine the role of this variant in disease. Therefore, it has been classified as a Variant of Uncertain Significance.

Literature cited by the submitters: PubMed 17576681; PubMed 9536098.